The following is an entry in ClinVar:

NM_000535.7(PMS2):c.2154C>T (p.Leu718=)

Gene: PMS2 (PMS1 homolog 2, mismatch repair system component; minus strand). Cytogenetic location: 7p22.1.
Variant type: single nucleotide variant.
Coding change: c.2154C>T on transcript NM_000535.7 (MANE Select); coding-DNA position 2154, C replaced by T.
Protein change: p.Leu718=; no amino-acid change (leucine 718 retained).
Molecular consequence: synonymous variant. On other transcripts: non-coding transcript variant (1).
Genome position (GRCh38, 1-based): chr7:5,982,844, G>A on the plus strand (C>T on the coding strand, the complement: PMS2 is on the minus strand). VCF-style: chr7-5982844-G-A. GRCh37 (hg19) VCF-style: chr7-6022475-G-A.
Other names: c.1749C>T, p.Leu583= (NM_001322003.2, NM_001322004.2, NM_001322005.2 and 1 more transcripts); c.1998C>T, p.Leu666= (NM_001322006.2); c.1836C>T, p.Leu612= (NM_001322007.2, NM_001322008.2); c.1593C>T, p.Leu531= (NM_001322010.2); c.1221C>T, p.Leu407= (NM_001322011.2, NM_001322012.2); c.1581C>T, p.Leu527= (NM_001322013.2); c.2154C>T, p.Leu718= (NM_001322014.2); c.1845C>T, p.Leu615= (NM_001322015.2).
Identifiers: ClinVar variation 455687 (VCV000455687.15), dbSNP rs749554813, ClinGen allele CA046767.
Genomic context (GRCh38, chr7:5,982,844, plus strand): 5'-TTTGAGGGGGAGTCTGGGAATGAACACTAAACACACTCACGCTATGAGCCTCTGCCCCTG[G>A]AGCACGGTGTGCTGCTGCAGCATCTCGAAGTTATACTTCTCGTCCGTGGCATGCTGGTCC-3'
Protein context (NP_000526.2, residues 708-728): NFEMLQQHTV[Leu718=]QGQRLIAPQT

ClinVar aggregate classification (germline): Benign/Likely benign. Review status: criteria provided, multiple submitters, no conflicts (2 of 4 stars). 4 submissions from 4 submitters: Benign (1); Likely benign (3). Last evaluated 2025-03-02.

Conditions:
Hereditary nonpolyposis colorectal neoplasms. Identifiers: MedGen C0009405, MeSH D003123.
Hereditary cancer-predisposing syndrome. Also called: Hereditary Cancer Syndrome; Hereditary neoplastic syndrome; Neoplastic Syndromes, Hereditary; Tumor predisposition. Identifiers: Orphanet 140162, MedGen C0027672, MeSH D009386, MONDO:0015356.
Lynch syndrome. Identifiers: Orphanet 144, MedGen C4552100, MONDO:0005835. Disease mechanism: loss of function.
Lynch syndrome 4 (LYNCH4). Also called: Colorectal cancer, hereditary nonpolyposis, type 4; Hereditary non-polyposis colorectal cancer, type 4. Identifiers: Orphanet 144, MedGen C1838333, MONDO:0013699, OMIM 614337. Disease mechanism: loss of function.

Allele frequency attached by ClinVar (database versions not stated): gnomAD exomes below 0.00001 and 0.00001; ExAC 0.00001.
gnomAD v4.1: 3 of 1,607,276 alleles (0.00019%); highest among the groups gnomAD compares: South Asian, 0.0022%; no homozygotes.

Submissions (4):

Labcorp Genetics (formerly Invitae), Labcorp
Classification: Likely benign for Hereditary nonpolyposis colorectal neoplasms. Last evaluated: 2025-03-02. Review status: criteria provided, single submitter. Criteria: Invitae Variant Classification Sherloc (09022015). Collection method: clinical testing. Allele origin: germline.

Myriad Genetics, Inc.
Classification: Benign for Lynch syndrome 4. Last evaluated: 2025-02-03. Review status: criteria provided, single submitter. Criteria: Myriad Autosomal Dominant, Autosomal Recessive and X-Linked Classification Criteria (2023). Collection method: clinical testing. Allele origin: unknown.
Comment: This variant is considered benign. This variant is a silent/synonymous amino acid change and it is not expected to impact splicing.

Department of Pathology and Laboratory Medicine, Sinai Health System
Classification: Likely benign for Lynch syndrome. Last evaluated: 2022-01-12. Review status: criteria provided, single submitter. Criteria: ACMG Guidelines, 2015. Collection method: clinical testing. Allele origin: germline. Affected: yes.

Ambry Genetics
Classification: Likely benign for Hereditary cancer-predisposing syndrome. Last evaluated: 2016-03-10. Review status: criteria provided, single submitter. Criteria: Ambry Variant Classification Scheme 2023. Collection method: clinical testing. Allele origin: germline.